The following is an entry in ClinVar:

ClinVar aggregate classification (germline): Uncertain significance (1 of 4 stars; one submission).

Conditions:
Immunodeficiency. Identifiers: MedGen C0021051, MONDO:0021094, HP:0002721.

Submission:

Labcorp Genetics (formerly Invitae), Labcorp
Classification: Uncertain significance for Immunodeficiency. Last evaluated: 2024-09-30. Review status: criteria provided, single submitter. Criteria: Invitae Variant Classification Sherloc (09022015). Collection method: clinical testing. Allele origin: germline.
Comment: This sequence change replaces alanine, which is neutral and non-polar, with glutamic acid, which is acidic and polar, at codon 487 of the NFAT5 protein (p.Ala487Glu). This variant is not present in population databases (gnomAD no frequency). This variant has not been reported in the literature in individuals affected with NFAT5-related conditions. An algorithm developed to predict the effect of missense changes on protein structure and function (PolyPhen-2) suggests that this variant is likely to be tolerated. In summary, the available evidence is currently insufficient to determine the role of this variant in disease. Therefore, it has been classified as a Variant of Uncertain Significance.

NM_138713.4(NFAT5):c.1742C>A (p.Ala581Glu)

Gene: NFAT5 (nuclear factor of activated T cells 5; plus strand). Cytogenetic location: 16q22.1.
Variant type: single nucleotide variant.
Coding change: c.1742C>A on transcript NM_138713.4 (MANE Select); coding-DNA position 1742, C replaced by A.
Protein change: p.Ala581Glu; replaces alanine 581 with glutamic acid.
Molecular consequence: missense variant.
Genome position (GRCh38, 1-based): chr16:69,684,938, C>A. VCF-style: chr16-69684938-C-A. GRCh37 (hg19) VCF-style: chr16-69718841-C-A.
Other names: c.1739C>A, p.Ala580Glu (NM_001113178.3); c.1067C>A, p.Ala356Glu (NM_001367709.1); c.1688C>A, p.Ala563Glu (NM_006599.4); c.1460C>A, p.Ala487Glu (NM_138714.4, NM_173214.3, NM_173215.3); short protein forms A356E, A580E, A581E, A487E, A563E.
Identifiers: ClinVar variation 3721417 (VCV003721417.2).